The following is an entry in ClinVar:

ClinVar aggregate classification (germline): Uncertain significance. Review status: criteria provided, multiple submitters, no conflicts (2 of 4 stars). 2 submissions from 2 submitters: Uncertain significance (2). Last evaluated 2025-04-07.

Conditions:
Inborn genetic diseases. Identifiers: MedGen C0950123, MeSH D030342.
Werner syndrome (WRN). Identifiers: Orphanet 902, MedGen C0043119, MONDO:0010196, OMIM 277700.

Allele frequency attached by ClinVar (database versions not stated): gnomAD exomes 0.00001 and 0.00002; gnomAD 0.00005 and 0.00006; TOPMed 0.00006.
gnomAD v4.1: 16 of 1,613,526 alleles (0.00099%); highest among the groups gnomAD compares: African/African-American, 0.016%; no homozygotes.

Submissions (2):

Labcorp Genetics (formerly Invitae), Labcorp
Classification: Uncertain significance for Werner syndrome. Last evaluated: 2025-04-07. Review status: criteria provided, single submitter. Criteria: Invitae Variant Classification Sherloc (09022015). Collection method: clinical testing. Allele origin: germline.
Comment: This sequence change replaces glutamine, which is neutral and polar, with glutamic acid, which is acidic and polar, at codon 144 of the WRN protein (p.Gln144Glu). This variant is present in population databases (no rsID available, gnomAD 0.02%). This variant has not been reported in the literature in individuals affected with WRN-related conditions. ClinVar contains an entry for this variant (Variation ID: 238167). An algorithm developed to predict the effect of missense changes on protein structure and function (PolyPhen-2) suggests that this variant is likely to be tolerated. In summary, the available evidence is currently insufficient to determine the role of this variant in disease. Therefore, it has been classified as a Variant of Uncertain Significance.

Ambry Genetics
Classification: Uncertain significance for Inborn genetic diseases. Last evaluated: 2024-05-02. Review status: criteria provided, single submitter. Criteria: Ambry Variant Classification Scheme 2023. Collection method: clinical testing. Allele origin: germline.

NM_000553.6(WRN):c.430C>G (p.Gln144Glu)

Gene: WRN (WRN RecQ like helicase; plus strand). Cytogenetic location: 8p12.
Variant type: single nucleotide variant.
Coding change: c.430C>G on transcript NM_000553.6 (MANE Select); coding-DNA position 430, C replaced by G.
Protein change: p.Gln144Glu; replaces glutamine 144 with glutamic acid.
Molecular consequence: missense variant.
Genome position (GRCh38, 1-based): chr8:31,064,989, C>G. VCF-style: chr8-31064989-C-G. GRCh37 (hg19) VCF-style: chr8-30922505-C-G.
Other names: short protein forms Q144E.
Identifiers: ClinVar variation 238167 (VCV000238167.8), dbSNP rs878854139, ClinGen allele CA10582579.